The following is an entry in ClinVar:

NM_173628.4(DNAH17):c.12031C>G (p.Gln4011Glu)

Gene: DNAH17 (dynein axonemal heavy chain 17; minus strand). Cytogenetic location: 17q25.3.
Variant type: single nucleotide variant.
Coding change: c.12031C>G on transcript NM_173628.4 (MANE Select); coding-DNA position 12031, C replaced by G.
Protein change: p.Gln4011Glu; replaces glutamine 4011 with glutamic acid.
Molecular consequence: missense variant.
Genome position (GRCh38, 1-based): chr17:78,437,643, G>C on the plus strand (C>G on the coding strand, the complement: DNAH17 is on the minus strand). VCF-style: chr17-78437643-G-C. GRCh37 (hg19) VCF-style: chr17-76433725-G-C.
Other names: short protein forms Q4011E.
Identifiers: ClinVar variation 2371441 (VCV002371441.25), dbSNP rs376644093, ClinGen allele CA8800236.

ClinVar aggregate classification (germline): Uncertain significance. Review status: criteria provided, multiple submitters, no conflicts (2 of 4 stars). 2 submissions from 2 submitters: Uncertain significance (2). Last evaluated 2024-10-20.

Conditions:
Inborn genetic diseases. Identifiers: MedGen C0950123, MeSH D030342.

Allele frequency attached by ClinVar (database versions not stated): ESP Exome Variant Server 0.00008; ExAC 0.00010; gnomAD 0.00014.
gnomAD v4.1: 224 of 1,605,276 alleles (0.014%); highest among the groups gnomAD compares: Non-Finnish European, 0.018%; no homozygotes.

Submissions (2):

Ambry Genetics
Classification: Uncertain significance for Inborn genetic diseases. Last evaluated: 2024-10-20. Review status: criteria provided, single submitter. Criteria: Ambry Variant Classification Scheme 2023. Collection method: clinical testing. Allele origin: germline.

CeGaT Center for Human Genetics Tuebingen
Classification: Uncertain significance. Last evaluated: 2024-01-01. Review status: criteria provided, single submitter. Criteria: CeGaT Center For Human Genetics Tuebingen Variant Classification Criteria Version 2. Collection method: clinical testing. Allele origin: germline. Affected: yes. Observed: 1 variant allele.
Comment: DNAH17: PM2, BP4